The following is an entry in ClinVar:

ClinVar aggregate classification (germline): Uncertain significance. Review status: criteria provided, multiple submitters, no conflicts (2 of 4 stars). 2 submissions from 2 submitters: Uncertain significance (2). Last evaluated 2024-12-02.

Conditions:
Klippel-Feil anomaly-myopathy-facial dysmorphism syndrome. Also called: Klippel-feil syndrome 4, autosomal recessive, with nemaline myopathy and facial dysmorphism; Klippel-Feil syndrome 4, autosomal recessive, with myopathy and facial dysmorphism. Identifiers: Orphanet 447974, MedGen C4225285, MONDO:0014689, OMIM 616549.

Allele frequency attached by ClinVar (database versions not stated): gnomAD 0.00014 and 0.00015; TOPMed 0.00009; ExAC 0.00013.
gnomAD v4.1: 164 of 1,613,492 alleles (0.01%); highest among the groups gnomAD compares: South Asian, 0.027%; no homozygotes.

Submissions (2):

Revvity Omics, Revvity
Classification: Uncertain significance for Klippel-Feil anomaly-myopathy-facial dysmorphism syndrome. Last evaluated: 2024-12-02. Review status: criteria provided, single submitter. Criteria: ACMG Guidelines, 2015. Collection method: clinical testing. Allele origin: germline.

Labcorp Genetics (formerly Invitae), Labcorp
Classification: Uncertain significance. Last evaluated: 2022-08-23. Review status: criteria provided, single submitter. Criteria: Invitae Variant Classification Sherloc (09022015). Collection method: clinical testing. Allele origin: germline.
Comment: This sequence change replaces alanine, which is neutral and non-polar, with threonine, which is neutral and polar, at codon 405 of the MYO18B protein (p.Ala405Thr). This variant is present in population databases (rs773453954, gnomAD 0.04%). This variant has not been reported in the literature in individuals affected with MYO18B-related conditions. ClinVar contains an entry for this variant (Variation ID: 1433850). Algorithms developed to predict the effect of missense changes on protein structure and function output the following: SIFT: "Not Available"; PolyPhen-2: "Benign"; Align-GVGD: "Not Available". The threonine amino acid residue is found in multiple mammalian species, which suggests that this missense change does not adversely affect protein function. In summary, the available evidence is currently insufficient to determine the role of this variant in disease. Therefore, it has been classified as a Variant of Uncertain Significance.

NM_032608.7(MYO18B):c.1213G>A (p.Ala405Thr)

Gene: MYO18B (myosin XVIIIB; plus strand). Cytogenetic location: 22q12.1.
Variant type: single nucleotide variant.
Coding change: c.1213G>A on transcript NM_032608.7 (MANE Select); coding-DNA position 1213, G replaced by A.
Protein change: p.Ala405Thr; replaces alanine 405 with threonine.
Molecular consequence: missense variant.
Genome position (GRCh38, 1-based): chr22:25,769,129, G>A. VCF-style: chr22-25769129-G-A. GRCh37 (hg19) VCF-style: chr22-26165096-G-A.
Other names: c.1213G>A, p.Ala405Thr (NM_001318245.2); short protein forms A405T.
Identifiers: ClinVar variation 1433850 (VCV001433850.4), dbSNP rs773453954, ClinGen allele CA10159779.